The following is an entry in ClinVar:

ClinVar aggregate classification (germline): Likely pathogenic (1 of 4 stars; one submission).

Conditions:
Familial adenomatous polyposis 4 (FAP4). Also called: MSH3-related attenuated familial adenomatous polyposis. Identifiers: Orphanet 480536, MedGen C4310719, MONDO:0044300, OMIM 617100.

gnomAD v4.1: 1 of 1,496,378 alleles (0.000067%); highest among the groups gnomAD compares: Non-Finnish European, 0.000093%; no homozygotes.

Submission:

Myriad Genetics, Inc.
Classification: Likely pathogenic for Familial adenomatous polyposis 4. Last evaluated: 2024-12-30. Review status: criteria provided, single submitter. Criteria: Myriad Autosomal Dominant, Autosomal Recessive and X-Linked Classification Criteria (2023). Collection method: clinical testing. Allele origin: unknown.
Comment: This variant is considered likely pathogenic. This variant occurs within a consensus splice junction and is predicted to result in abnormal mRNA splicing of either an out-of-frame exon or an in-frame exon necessary for protein stability and/or normal function.

NM_002439.5(MSH3):c.2435+1G>A

Gene: MSH3 (mutS homolog 3; plus strand). Cytogenetic location: 5q14.1.
Variant type: single nucleotide variant.
Coding change: c.2435+1G>A on transcript NM_002439.5 (MANE Select); the canonical splice donor site of the intron after coding-DNA position 2435, G replaced by A.
Molecular consequence: splice donor variant.
Genome position (GRCh38, 1-based): chr5:80,778,837, G>A. VCF-style: chr5-80778837-G-A. GRCh37 (hg19) VCF-style: chr5-80074656-G-A.
Identifiers: ClinVar variation 3904689 (VCV003904689.1).